The following is an entry in ClinVar:

NM_000214.3(JAG1):c.587_588delinsT (p.Cys196fs)

Gene: JAG1 (jagged canonical Notch ligand 1; minus strand). Cytogenetic location: 20p12.2.
Variant type: Indel.
Coding change: c.587_588delinsT on transcript NM_000214.3 (MANE Select); coding-DNA positions 587 to 588, GC replaced by T.
Protein change: p.Cys196fs; shifts the reading frame from cysteine 196.
Molecular consequence: frameshift variant.
Genome position (GRCh38, 1-based): chr20:10,658,574-10,658,575, GC replaced by A on the plus strand (GC replaced by T on the coding strand, the reverse complement: JAG1 is on the minus strand). VCF-style: chr20-10658574-GC-A. GRCh37 (hg19) VCF-style: chr20-10639222-GC-A.
Other names: c.587_588delinsT, p.Cys196fs (LRG_1191t1); short protein forms C196fs.
Identifiers: ClinVar variation 213550 (VCV000213550.2), dbSNP rs863223664, ClinGen allele CA323031.

ClinVar aggregate classification (germline): Pathogenic (1 of 4 stars; one submission).

Submission:

GeneDx
Classification: Pathogenic. Last evaluated: 2014-01-13. Review status: criteria provided, single submitter. Criteria: GeneDx Variant Classification (06012015). Collection method: clinical testing. Allele origin: germline. Affected: yes.
Comment: The c.587_588delGCinsT mutation in the JAG1 gene causes a frameshift starting with codon Cysteine 196, changes this amino acid to a Leucine residue and creates a premature Stop codon at position 216 of the new reading frame, denoted p.Cys196LeufsX216. This mutation is predicted to cause loss of normal protein function either through protein truncation or nonsense-mediated mRNA decay. Although this mutation has not been previously reported to our knowledge, its presence is consistent with a diagnosis of Alagille syndrome. This variant was found in JAG1